The following is an entry in ClinVar:

ClinVar aggregate classification (germline): Pathogenic (1 of 4 stars; one submission).

Submission:

Labcorp Genetics (formerly Invitae), Labcorp
Classification: Pathogenic. Last evaluated: 2023-08-31. Review status: criteria provided, single submitter. Criteria: Invitae Variant Classification Sherloc (09022015). Collection method: clinical testing. Allele origin: germline.
Comment: This variant has not been reported in the literature in individuals affected with PCDH15-related conditions. This variant is not present in population databases (gnomAD no frequency). This sequence change creates a premature translational stop signal (p.Gly1056Valfs*2) in the PCDH15 gene. It is expected to result in an absent or disrupted protein product. Loss-of-function variants in PCDH15 are known to be pathogenic (PMID: 11398101, 11487575, 14570705). For these reasons, this variant has been classified as Pathogenic.

Literature cited by the submitters: PubMed 11398101; PubMed 11487575; PubMed 14570705.

NM_001384140.1(PCDH15):c.3167del (p.Gly1056fs)

Gene: PCDH15 (protocadherin related 15; minus strand). Cytogenetic location: 10q21.1.
Variant type: Deletion.
Coding change: c.3167del on transcript NM_001384140.1 (MANE Select); coding-DNA position 3167, one base deleted (G; older notation c.3167delG).
Protein change: p.Gly1056fs; shifts the reading frame from glycine 1056.
Molecular consequence: frameshift variant.
Genome position (GRCh38, 1-based): chr10:53,940,931, C deleted on the plus strand (G on the coding strand, the reverse complement: PCDH15 is on the minus strand); the first of 2 consecutive C bases (chr10:53,940,931-53,940,932); deleting either gives the same sequence. VCF-style (leftmost placement, unchanged base first): chr10-53940930-AC-A. GRCh37 (hg19) VCF-style: chr10-55700690-AC-A.
Other names: c.3182del, p.Gly1061fs (NM_001142763.2, NM_001142771.2); c.3167del, p.Gly1056fs (NM_001142764.2, NM_001142766.2, NM_001142770.3 and 4 more transcripts); c.2954del, p.Gly985fs (NM_001142765.2); c.3056del, p.Gly1019fs (NM_001142767.2); c.3101del, p.Gly1034fs (NM_001142768.2, NM_001142773.2, NM_001354404.2); c.3202delG, p.Gly1068Valfs (NM_001142769.4); c.3188del, p.Gly1063fs (NM_001354411.2); short protein forms G1019fs, G1056fs, G1068fs, G985fs, G1034fs, G1061fs, G1063fs.
Identifiers: ClinVar variation 2756897 (VCV002756897.3), dbSNP rs2494644442, ClinGen allele CA2697558343.
Genomic context (GRCh38, chr10:53,940,930, plus strand): 5'-TTCATTTCCTGAAACAATGGAGTACACAATACTTTGATTAATGGCAGCAGCAGAAATTAC[AC>A]CAACCATGGTCCCTTTGGTGGCAAGTTCACTTACTGGAGGAGGTCTGCAGGTTTAGAGAA-3'